The following is an entry in ClinVar:

NM_024598.4(USB1):c.443T>A (p.Phe148Tyr)

Gene: USB1 (U6 snRNA biogenesis phosphodiesterase 1; plus strand). Cytogenetic location: 16q21.
Variant type: single nucleotide variant.
Coding change: c.443T>A on transcript NM_024598.4 (MANE Select); coding-DNA position 443, T replaced by A.
Protein change: p.Phe148Tyr; replaces phenylalanine 148 with tyrosine.
Molecular consequence: missense variant.
Genome position (GRCh38, 1-based): chr16:58,010,106, T>A. VCF-style: chr16-58010106-T-A. GRCh37 (hg19) VCF-style: chr16-58044010-T-A.
Other names: c.443T>A, p.Phe148Tyr (NM_001195302.2, NM_001204911.2, NM_001330569.2); c.290T>A, p.Phe97Tyr (NM_001330568.2); short protein forms F148Y, F97Y.
Identifiers: ClinVar variation 5031621 (VCV005031621.1).

ClinVar aggregate classification (germline): Uncertain significance (1 of 4 stars; one submission).

Conditions:
Inborn genetic diseases. Identifiers: MedGen C0950123, MeSH D030342.

Submission:

Ambry Genetics
Classification: Uncertain significance for Inborn genetic diseases. Last evaluated: 2026-08-16. Review status: criteria provided, single submitter. Criteria: Ambry Variant Classification Scheme 2023. Collection method: clinical testing. Allele origin: germline.
Comment: The p.F148Y variant (also known as c.443T>A), located in coding exon 3 of the USB1 gene, results from a T to A substitution at nucleotide position 443. The phenylalanine at codon 148 is replaced by tyrosine, an amino acid with highly similar properties. This amino acid position is conserved. In addition, this alteration is predicted to be tolerated by in silico analysis. Based on the available evidence, the clinical significance of this variant remains unclear.